The following is an entry in ClinVar:

NM_000222.3(KIT):c.2233+3G>T

Gene: KIT (KIT proto-oncogene, receptor tyrosine kinase; plus strand). Cytogenetic location: 4q12.
Variant type: single nucleotide variant.
Coding change: c.2233+3G>T on transcript NM_000222.3 (MANE Select); 3 bases into the intron after coding-DNA position 2233, G replaced by T.
Molecular consequence: intron variant.
Genome position (GRCh38, 1-based): chr4:54,731,422, G>T. VCF-style: chr4-54731422-G-T. GRCh37 (hg19) VCF-style: chr4-55597588-G-T.
Other names: c.2236+3G>T (NM_001385284.1); c.2233+3G>T (NM_001385290.1); c.2224+3G>T (NM_001385288.1); c.2221+3G>T (NM_001385292.1, NM_001093772.2); c.2230+3G>T (NM_001385285.1); c.2218+3G>T (NM_001385286.1).
Identifiers: ClinVar variation 4093166 (VCV004093166.1).
Genomic context (GRCh38, chr4:54,731,422, plus strand): 5'-CCTGGAGTTTCTTATGTTGTCCCAACCAAGGCCGACAAAAGGAGATCTGTGAGAATAGGT[G>T]AGTACCTACCTATCAAGCAACCAAGAGTAACTTTACAGAGAGTATGTATATCATGCTAAT-3'

ClinVar aggregate classification (germline): Uncertain significance (1 of 4 stars; one submission).

Conditions:
Hereditary cancer-predisposing syndrome. Also called: Tumor predisposition; Neoplastic Syndromes, Hereditary; Hereditary neoplastic syndrome; Hereditary Cancer Syndrome. Identifiers: Orphanet 140162, MedGen C0027672, MeSH D009386, MONDO:0015356.

Submission:

Ambry Genetics
Classification: Uncertain significance for Hereditary cancer-predisposing syndrome. Last evaluated: 2025-07-09. Review status: criteria provided, single submitter. Criteria: Ambry Variant Classification Scheme 2023. Collection method: clinical testing. Allele origin: germline.
Comment: The c.2233+3G>T intronic variant results from a G to T substitution 3 nucleotides after coding exon 15 in the KIT gene. This nucleotide position is not well conserved in available vertebrate species. In silico splice site analysis predicts that this alteration will not have any significant effect on splicing. Based on the available evidence, the clinical significance of this variant remains unclear.